The following is an entry in ClinVar:

ClinVar aggregate classification (germline): Uncertain significance. Review status: criteria provided, multiple submitters, no conflicts (2 of 4 stars). 2 submissions from 2 submitters: Uncertain significance (2). Last evaluated 2025-04-14.

Conditions:
Inborn genetic diseases. Identifiers: MedGen C0950123, MeSH D030342.

Allele frequency attached by ClinVar (database versions not stated): ExAC 0.00010; gnomAD 0.00007; gnomAD exomes 0.00009.

Submissions (2):

Ambry Genetics
Classification: Uncertain significance for Inborn genetic diseases. Last evaluated: 2025-04-14. Review status: criteria provided, single submitter. Criteria: Ambry Variant Classification Scheme 2023. Collection method: clinical testing. Allele origin: germline.

Labcorp Genetics (formerly Invitae), Labcorp
Classification: Uncertain significance. Last evaluated: 2022-10-28. Review status: criteria provided, single submitter. Criteria: Invitae Variant Classification Sherloc (09022015). Collection method: clinical testing. Allele origin: germline.
Comment: This sequence change replaces threonine, which is neutral and polar, with methionine, which is neutral and non-polar, at codon 920 of the PTPN23 protein (p.Thr920Met). This variant is present in population databases (rs768815735, gnomAD 0.03%). This variant has not been reported in the literature in individuals affected with PTPN23-related conditions. ClinVar contains an entry for this variant (Variation ID: 1444145). Algorithms developed to predict the effect of missense changes on protein structure and function output the following: SIFT: "Tolerated"; PolyPhen-2: "Not Available"; Align-GVGD: "Class C0". The methionine amino acid residue is found in multiple mammalian species, which suggests that this missense change does not adversely affect protein function. In summary, the available evidence is currently insufficient to determine the role of this variant in disease. Therefore, it has been classified as a Variant of Uncertain Significance.

NM_015466.4(PTPN23):c.2759C>T (p.Thr920Met)

Gene: PTPN23 (protein tyrosine phosphatase non-receptor type 23; plus strand). Cytogenetic location: 3p21.31.
Variant type: single nucleotide variant.
Coding change: c.2759C>T on transcript NM_015466.4 (MANE Select); coding-DNA position 2759, C replaced by T.
Protein change: p.Thr920Met; replaces threonine 920 with methionine.
Molecular consequence: missense variant.
Genome position (GRCh38, 1-based): chr3:47,410,557, C>T. VCF-style: chr3-47410557-C-T. GRCh37 (hg19) VCF-style: chr3-47452047-C-T.
Other names: c.2381C>T, p.Thr794Met (NM_001304482.2); c.2759C>T (NM_015466.2); short protein forms T794M, T920M.
Identifiers: ClinVar variation 1444145 (VCV001444145.5), dbSNP rs768815735, ClinGen allele CA2366119.
Genomic context (GRCh38, chr3:47,410,557, plus strand): 5'-ACCCCACCCCTGCTCCTCCCCCGCCCTGCTTCCCTGTGCCCCCACCGCAGCCACTGCCCA[C>T]GCCTTACACCTACCCTGCAGGGGCTAAGCAACCCATCCCGGCACAGCACCACTTCTCTTC-3'
Protein context (NP_056281.1, residues 910-930): FPVPPPQPLP[Thr920Met]PYTYPAGAKQ